The following is an entry in ClinVar:

ClinVar aggregate classification (germline): Uncertain significance. Review status: criteria provided, multiple submitters, no conflicts (2 of 4 stars). 2 submissions from 2 submitters: Uncertain significance (2). Last evaluated 2025-06-22.

gnomAD v4.1: 3 of 1,614,136 alleles (0.00019%); highest among the groups gnomAD compares: Non-Finnish European, 0.00025%; no homozygotes.

Submissions (2):

Ambry Genetics
Classification: Uncertain significance. Last evaluated: 2025-06-22. Review status: criteria provided, single submitter. Criteria: Ambry Variant Classification Scheme 2023. Collection method: clinical testing. Allele origin: germline.
Comment: The p.L694F variant (also known as c.2080C>T), located in coding exon 1 of the TET2 gene, results from a C to T substitution at nucleotide position 2080. The leucine at codon 694 is replaced by phenylalanine, an amino acid with highly similar properties. This amino acid position is conserved. In addition, this alteration is predicted to be tolerated by in silico analysis. Based on the available evidence, the clinical significance of this variant remains unclear.

Labcorp Genetics (formerly Invitae), Labcorp
Classification: Uncertain significance. Last evaluated: 2024-06-24. Review status: criteria provided, single submitter. Criteria: Invitae Variant Classification Sherloc (09022015). Collection method: clinical testing. Allele origin: germline.
Comment: This sequence change replaces leucine, which is neutral and non-polar, with phenylalanine, which is neutral and non-polar, at codon 694 of the TET2 protein (p.Leu694Phe). This variant is not present in population databases (gnomAD no frequency). This variant has not been reported in the literature in individuals affected with TET2-related conditions. An algorithm developed to predict the effect of missense changes on protein structure and function (PolyPhen-2) suggests that this variant is likely to be disruptive. In summary, the available evidence is currently insufficient to determine the role of this variant in disease. Therefore, it has been classified as a Variant of Uncertain Significance.

NM_001127208.3(TET2):c.2080C>T (p.Leu694Phe)

Genes: TET2 (tet methylcytosine dioxygenase 2; plus strand), TET2-AS1 (TET2 antisense RNA 1; minus strand). Cytogenetic location: 4q24.
Variant type: single nucleotide variant.
Coding change: c.2080C>T on transcript NM_001127208.3 (MANE Select); coding-DNA position 2080, C replaced by T.
Protein change: p.Leu694Phe; replaces leucine 694 with phenylalanine.
Molecular consequence: missense variant.
Genome position (GRCh38, 1-based): chr4:105,236,022, C>T. VCF-style: chr4-105236022-C-T. GRCh37 (hg19) VCF-style: chr4-106157179-C-T.
Other names: c.2080C>T, p.Leu694Phe (NM_017628.4); short protein forms L694F.
Identifiers: ClinVar variation 3604304 (VCV003604304.3).